The following is an entry in ClinVar:

NM_000465.4(BARD1):c.306C>G (p.Asp102Glu)

Gene: BARD1 (BRCA1 associated RING domain 1; minus strand). Cytogenetic location: 2q35.
Variant type: single nucleotide variant.
Coding change: c.306C>G on transcript NM_000465.4 (MANE Select); coding-DNA position 306, C replaced by G.
Protein change: p.Asp102Glu; replaces aspartic acid 102 with glutamic acid.
Molecular consequence: missense variant. On other transcripts: non-coding transcript variant (1), intron variant (2).
Genome position (GRCh38, 1-based): chr2:214,792,355, G>C on the plus strand (C>G on the coding strand, the complement: BARD1 is on the minus strand). VCF-style: chr2-214792355-G-C. GRCh37 (hg19) VCF-style: chr2-215657079-G-C.
Other names: c.306C>G (NM_000465.2); c.249C>G, p.Asp83Glu (NM_001282543.2); c.306C>G, p.Asp102Glu (NM_001282549.2); c.158+17057C>G (NM_001282548.2); c.215+4706C>G (NM_001282545.2); short protein forms D102E, D83E.
Identifiers: ClinVar variation 940786 (VCV000940786.11), dbSNP rs1695558437, ClinGen allele CA350460971.

ClinVar aggregate classification (germline): Uncertain significance. Review status: criteria provided, multiple submitters, no conflicts (2 of 4 stars). 2 submissions from 2 submitters: Uncertain significance (2). Last evaluated 2026-04-04.

Conditions:
Hereditary cancer-predisposing syndrome. Also called: Hereditary Cancer Syndrome; Neoplastic Syndromes, Hereditary; Tumor predisposition; Hereditary neoplastic syndrome. Identifiers: Orphanet 140162, MedGen C0027672, MeSH D009386, MONDO:0015356.
Familial cancer of breast. Also called: BREAST CANCER, FAMILIAL; Hereditary breast cancer; hereditary breast carcinoma. Identifiers: Orphanet 227535, MedGen C0346153, MONDO:0016419, OMIM 114480. Disease mechanism: loss of function.

Submissions (2):

Ambry Genetics
Classification: Uncertain significance for Hereditary cancer-predisposing syndrome. Last evaluated: 2026-04-04. Review status: criteria provided, single submitter. Criteria: Ambry Variant Classification Scheme 2023. Collection method: clinical testing. Allele origin: germline.
Comment: The p.D102E variant (also known as c.306C>G), located in coding exon 3 of the BARD1 gene, results from a C to G substitution at nucleotide position 306. The aspartic acid at codon 102 is replaced by glutamic acid, an amino acid with highly similar properties. This amino acid position is conserved. In addition, this alteration is predicted to be tolerated by in silico analysis. Based on the available evidence, the clinical significance of this variant remains unclear.

Labcorp Genetics (formerly Invitae), Labcorp
Classification: Uncertain significance for Familial cancer of breast. Last evaluated: 2020-04-02. Review status: criteria provided, single submitter. Criteria: Invitae Variant Classification Sherloc (09022015). Collection method: clinical testing. Allele origin: germline.
Comment: This sequence change replaces aspartic acid with glutamic acid at codon 102 of the BARD1 protein (p.Asp102Glu). The aspartic acid residue is highly conserved and there is a small physicochemical difference between aspartic acid and glutamic acid. This variant is not present in population databases (ExAC no frequency). This variant has not been reported in the literature in individuals with BARD1-related conditions. Algorithms developed to predict the effect of missense changes on protein structure and function are either unavailable or do not agree on the potential impact of this missense change (SIFT: "Deleterious"; PolyPhen-2: "Benign"; Align-GVGD: "Class C0"). In summary, the available evidence is currently insufficient to determine the role of this variant in disease. Therefore, it has been classified as a Variant of Uncertain Significance.